The following is an entry in ClinVar:

ClinVar aggregate classification (germline): Likely benign. Review status: criteria provided, multiple submitters, no conflicts (2 of 4 stars). 2 submissions from 2 submitters: Likely benign (2). Last evaluated 2018-06-16.

Allele frequency attached by ClinVar (database versions not stated): 1000 Genomes Project 0.00819; 1000 Genomes Project 30x 0.00890; gnomAD 0.01374 and 0.01400; ESP Exome Variant Server 0.01473; TOPMed 0.01536; ExAC 0.01840.
gnomAD v4.1: 28,729 of 1,590,052 alleles (1.8%); highest among the groups gnomAD compares: Middle Eastern, 2.9%; 319 homozygotes.

Submissions (2):

GeneDx
Classification: Likely benign. Last evaluated: 2018-06-16. Review status: criteria provided, single submitter. Criteria: GeneDx Variant Classification (06012015). Collection method: clinical testing. Allele origin: germline. Affected: yes.
Comment: This variant is considered likely benign or benign based on one or more of the following criteria: it is a conservative change, it occurs at a poorly conserved position in the protein, it is predicted to be benign by multiple in silico algorithms, and/or has population frequency not consistent with disease.

Breakthrough Genomics
Classification: Likely benign. Review status: criteria provided, single submitter. Criteria: ACMG Guidelines, 2015. Collection method: not provided. Allele origin: germline. Inheritance: Autosomal recessive inheritance. Affected: yes.

NM_201384.3(PLEC):c.3400-26G>A

Gene: PLEC (plectin; minus strand). Cytogenetic location: 8q24.3.
Variant type: single nucleotide variant.
Coding change: c.3400-26G>A on transcript NM_201384.3 (MANE Select); 26 bases into the intron before coding-DNA position 3400, G replaced by A.
Molecular consequence: intron variant.
Genome position (GRCh38, 1-based): chr8:143,927,792, C>T on the plus strand (G>A on the coding strand, the complement: PLEC is on the minus strand). VCF-style: chr8-143927792-C-T. GRCh37 (hg19) VCF-style: chr8-145001960-C-T.
Other names: c.3481-26G>A (NM_000445.5); c.3358-26G>A (NM_201378.4); c.3334-26G>A (NM_201379.3); c.3811-26G>A (NM_201380.4); c.3304-26G>A (NM_201381.3); c.3400-26G>A (NM_201382.4); c.3412-26G>A (NM_201383.3).
Identifiers: ClinVar variation 672675 (VCV000672675.2), dbSNP rs140300753, ClinGen allele CA4927082.